The following is an entry in ClinVar:

NM_005850.5(SF3B4):c.1147dup (p.His383fs)

Gene: SF3B4 (splicing factor 3b subunit 4; minus strand). Cytogenetic location: 1q21.2.
Variant type: Duplication.
Coding change: c.1147dup on transcript NM_005850.5 (MANE Select); coding-DNA position 1147, one base duplicated (C; older notation c.1147dupC).
Protein change: p.His383fs; shifts the reading frame from histidine 383.
Molecular consequence: frameshift variant.
Genome position (GRCh38, 1-based): chr1:149,923,670, G duplicated on the plus strand (C on the coding strand, the reverse complement: SF3B4 is on the minus strand); the first of 7 consecutive G bases (chr1:149,923,670-149,923,676); duplicating any one gives the same sequence. VCF-style (leftmost placement, unchanged base first): chr1-149923669-T-TG. GRCh37 (hg19) VCF-style: chr1-149895561-T-TG.
Other names: short protein forms H383fs.
Identifiers: ClinVar variation 31651 (VCV000031651.8), dbSNP rs387907186, ClinGen allele CA129874.

ClinVar aggregate classification (germline): Conflicting classifications of pathogenicity. Review status: criteria provided, conflicting classifications (1 of 4 stars). 5 submissions from 5 submitters: Pathogenic (2); Uncertain significance (1). 2 of the submissions do not count toward it. Last evaluated 2025-09-15.

Conditions:
Inborn genetic diseases. Identifiers: MedGen C0950123, MeSH D030342.
Nager syndrome (AFD1). Also called: Nager acrofacial dysostosis; Nager acrofacial dysostosis syndrome; MANDIBULOFACIAL DYSOSTOSIS, TREACHER COLLINS TYPE, WITH LIMB ANOMALIES; Acrofacial Dysostosis 1, Nager Type. Identifiers: Orphanet 245, MedGen C0265245, MONDO:0007943, OMIM 154400.

Submissions (5):

Labcorp Genetics (formerly Invitae), Labcorp
Classification: Pathogenic. Last evaluated: 2025-09-15. Review status: criteria provided, single submitter. Criteria: Invitae Variant Classification Sherloc (09022015). Collection method: clinical testing. Allele origin: germline.
Comment: This sequence change is expected to alter the c-terminus of the SF3B4 protein (p.His383Profs*103). While this is not anticipated to result in nonsense mediated decay, it is expected to disrupt the last 42 amino acid(s) of the SF3B4 protein and extend the protein by 60 additional amino acid residues. The frequency data for this variant in the population databases is considered unreliable, as metrics indicate poor data quality at this position in the gnomAD database. This frameshift has been observed in individual(s) with clinical features of acrofacial dysostosis and/or SF3B4-related conditions (PMID: 22541558; internal data). In at least one individual the variant was observed to be de novo. ClinVar contains an entry for this variant (Variation ID: 31651). For these reasons, this variant has been classified as Pathogenic.

Mendelics
Classification: Uncertain significance. Last evaluated: 2022-05-04. Review status: criteria provided, single submitter. Criteria: Mendelics Assertion Criteria 2019. Collection method: clinical testing. Allele origin: germline.

Ambry Genetics
Classification: Pathogenic for Inborn genetic diseases. Last evaluated: 2014-10-06. Review status: criteria provided, single submitter. Criteria: Ambry General Variant Classification Scheme_2022. Collection method: clinical testing. Allele origin: germline. Observed: 1 variant allele.
Comment: The c.1147dupC (p.H383Pfs*103) alteration, located in coding exon 6 of the SF3B4 gene, consists of a duplication of C at position 1147, causing a translational frameshift with a predicted alternate stop codon after 103 amino acids. Frameshift alterations are typically deleterious in nature (Richards, 2015). The alteration is not observed in healthy cohorts: Based on data from the NHLBI Exome Sequencing Project (ESP), the SF3B4 c.1147DUPC alteration was not observed among 6,476 individuals tested. Allele frequency data for this nucleotide position are not currently available from the 1000 Genomes Project and the alteration is not currently listed in the Database of Single Nucleotide Polymorphisms (dbSNP). Both individuals had dwonslanted palperbral fissures, micrognathia, abnormal soft palate, abnormal ears, and hearing loss. The son was absent his right thumb and had a small left thumb. The mother had small thumbs and bilateral radioulnar synostosis (Bernier 2012). Based on the available evidence, this alteration is classified as pathogenic.

Clinical Genetics Research Group, University of Calgary
Classification: Pathogenic for Nager syndrome. Last evaluated: 2012-09-07. Review status: no assertion criteria provided. Collection method: research. Allele origin: inherited. Affected: yes. Not counted in ClinVar's aggregate classification.

OMIM
Classification: Pathogenic for ACROFACIAL DYSOSTOSIS 1, NAGER TYPE. Last evaluated: 2012-05-04. Review status: no assertion criteria provided. Collection method: literature only. Allele origin: germline. Not counted in ClinVar's aggregate classification.

Literature cited by the submitters: PubMed 22541558 (cited by 4 submitters).